The following is an entry in ClinVar:

NM_001845.6(COL4A1):c.4377G>A (p.Gln1459=)

Gene: COL4A1 (collagen type IV alpha 1 chain; minus strand). Cytogenetic location: 13q34.
Variant type: single nucleotide variant.
Coding change: c.4377G>A on transcript NM_001845.6 (MANE Select); coding-DNA position 4377, G replaced by A.
Protein change: p.Gln1459=; no amino-acid change (glutamine 1459 retained).
Molecular consequence: synonymous variant.
Genome position (GRCh38, 1-based): chr13:110,162,315, C>T on the plus strand (G>A on the coding strand, the complement: COL4A1 is on the minus strand). VCF-style: chr13-110162315-C-T. GRCh37 (hg19) VCF-style: chr13-110814662-C-T.
Identifiers: ClinVar variation 3059637 (VCV003059637.2), dbSNP rs2501738393, ClinGen allele CA484788312.

ClinVar aggregate classification (germline): Likely benign (0 of 4 stars; one submission).

Conditions:
COL4A1-related disorder. Also called: COL4A1-related condition; COL4A1-related disorders. Identifiers: MedGen CN376119, MONDO:0800461.

Allele frequency attached by ClinVar (database versions not stated): gnomAD exomes below 0.00001.
gnomAD v4.1: 3 of 1,614,234 alleles (0.00019%); highest among the groups gnomAD compares: Non-Finnish European, 0.00025%; no homozygotes.

Submission:

PreventionGenetics, part of Exact Sciences
Classification: Likely benign for COL4A1-related condition. Last evaluated: 2021-12-15. Review status: no assertion criteria provided. Collection method: clinical testing. Allele origin: germline.
Comment: This variant is classified as likely benign based on ACMG/AMP sequence variant interpretation guidelines (Richards et al. 2015 PMID: 25741868, with internal and published modifications).